The following is an entry in ClinVar:

ClinVar aggregate classification (germline): Likely pathogenic (1 of 4 stars; one submission).

Conditions:
Hereditary cancer-predisposing syndrome. Also called: Neoplastic Syndromes, Hereditary; Tumor predisposition; Hereditary Cancer Syndrome; Hereditary neoplastic syndrome. Identifiers: Orphanet 140162, MedGen C0027672, MeSH D009386, MONDO:0015356.

Submissions (2):

Ambry Genetics
Classification: Likely pathogenic for Hereditary cancer-predisposing syndrome. Last evaluated: 2024-02-27. Review status: criteria provided, single submitter. Criteria: Ambry Variant Classification Scheme 2023. Collection method: clinical testing. Allele origin: germline.
Comment: The p.V1653E variant (also known as c.4958T>A), located in coding exon 14 of the BRCA1 gene, results from a T to A substitution at nucleotide position 4958. The valine at codon 1653 is replaced by glutamic acid, an amino acid with dissimilar properties. One functional study found that this nucleotide substitution is non-functional in a high throughput genome editing haploid cell survival assay (Findlay GM et al. Nature, 2018 Oct;562:217-222). This amino acid position is highly conserved in available vertebrate species. In addition, this alteration is predicted to be deleterious by in silico analysis. Based on the majority of available evidence to date, this variant is likely to be pathogenic.

Brotman Baty Institute, University of Washington
No classification provided (evidence only). Condition: Breast-ovarian cancer, familial 1. Review status: no classification provided. Collection method: in vitro. Allele origin: not applicable. Functional consequence: functionally_abnormal. Not counted in ClinVar's aggregate classification.
ClinVar note: "not provided" was previously submitted as the classification for the variant. However, the classification appeared to be based only on an observation of functional data so it was converted to no classification on 2025-07-30.

Literature cited by the submitters: PubMed 30209399 (cited by Ambry Genetics).

NM_007294.4(BRCA1):c.4958T>A (p.Val1653Glu)

Gene: BRCA1 (BRCA1 DNA repair associated; minus strand). Cytogenetic location: 17q21.31.
Variant type: single nucleotide variant.
Coding change: c.4958T>A on transcript NM_007294.4 (MANE Select); coding-DNA position 4958, T replaced by A.
Protein change: p.Val1653Glu; replaces valine 1653 with glutamic acid.
Molecular consequence: missense variant. On other transcripts: non-coding transcript variant (1).
Genome position (GRCh38, 1-based): chr17:43,070,956, A>T on the plus strand (T>A on the coding strand, the complement: BRCA1 is on the minus strand). VCF-style: chr17-43070956-A-T. GRCh37 (hg19) VCF-style: chr17-41222973-A-T.
Other names: c.4745T>A, p.Val1582Glu (NM_001407571.1, NM_001407894.1, NM_001407895.1 and 12 more transcripts); c.5024T>A, p.Val1675Glu (NM_001407581.1, NM_001407582.1); c.5021T>A, p.Val1674Glu (NM_001407583.1, NM_001407585.1, NM_001407587.1 and 1 more transcripts); c.5018T>A, p.Val1673Glu (NM_001407590.1, NM_001407591.1); c.4958T>A, p.Val1653Glu (NM_001407593.1, NM_001407594.1, NM_001407596.1 and 8 more transcripts); c.4955T>A, p.Val1652Glu (NM_001407610.1, NM_001407621.1, NM_001407622.1 and 17 more transcripts); c.4952T>A, p.Val1651Glu (NM_001407627.1, NM_001407628.1, NM_001407629.1 and 14 more transcripts); c.4949T>A, p.Val1650Glu (NM_001407644.1, NM_001407645.1); and 70 more; short protein forms V1653E, V549E, V1606E, V1674E, V1356E, V1499E, V1540E, V1612E.
Identifiers: ClinVar variation 868875 (VCV000868875.4), dbSNP rs2052363535, ClinGen allele CA10591608.